The following is an entry in ClinVar:

ClinVar aggregate classification (germline): Likely benign (1 of 4 stars; one submission).

Submission:

CeGaT Center for Human Genetics Tuebingen
Classification: Likely benign. Last evaluated: 2026-01-01. Review status: criteria provided, single submitter. Criteria: CeGaT Center For Human Genetics Tuebingen Variant Classification Criteria Version 2. Collection method: clinical testing. Allele origin: germline. Affected: yes. Observed: 1 variant allele.
Comment: GOLGA6A: BP4, BP7

NM_001038640.2(GOLGA6A):c.1614G>A (p.Pro538=)

Gene: GOLGA6A (golgin A6 family member A; minus strand). Cytogenetic location: 15q24.1.
Variant type: single nucleotide variant.
Coding change: c.1614G>A on transcript NM_001038640.2 (MANE Select); coding-DNA position 1614, G replaced by A.
Protein change: p.Pro538=; no amino-acid change (proline 538 retained).
Molecular consequence: synonymous variant.
Genome position (GRCh38, 1-based): chr15:74,071,636, C>T on the plus strand (G>A on the coding strand, the complement: GOLGA6A is on the minus strand). VCF-style: chr15-74071636-C-T. GRCh37 (hg19) VCF-style: chr15-74363977-C-T.
Identifiers: ClinVar variation 4821539 (VCV004821539.4).